The following is an entry in ClinVar:

ClinVar aggregate classification (germline): Uncertain significance (1 of 4 stars; one submission).

Conditions:
Autoimmune lymphoproliferative syndrome type 2A (ALPS2A). Also called: CASP10-Related Autoimmune Lymphoproliferative Syndrome; AUTOIMMUNE LYMPHOPROLIFERATIVE SYNDROME, TYPE IIA; Autoimmune lymphoproliferative syndrome type 2. Identifiers: Orphanet 3261, MedGen C1858968, MONDO:0011383, OMIM 603909.

gnomAD v4.1: 1 of 1,614,078 alleles (0.000062%); highest among the groups gnomAD compares: East Asian, 0.0022%; no homozygotes.

Submission:

Labcorp Genetics (formerly Invitae), Labcorp
Classification: Uncertain significance for Autoimmune lymphoproliferative syndrome type 2A. Last evaluated: 2023-08-02. Review status: criteria provided, single submitter. Criteria: Invitae Variant Classification Sherloc (09022015). Collection method: clinical testing. Allele origin: germline.
Comment: This variant is present in population databases (no rsID available, gnomAD 0.006%). This variant has not been reported in the literature in individuals affected with CASP10-related conditions. Advanced modeling of protein sequence and biophysical properties (such as structural, functional, and spatial information, amino acid conservation, physicochemical variation, residue mobility, and thermodynamic stability) performed at Invitae indicates that this missense variant is not expected to disrupt CASP10 protein function. In summary, the available evidence is currently insufficient to determine the role of this variant in disease. Therefore, it has been classified as a Variant of Uncertain Significance. This sequence change replaces glutamic acid, which is acidic and polar, with aspartic acid, which is acidic and polar, at codon 129 of the CASP10 protein (p.Glu129Asp).

NM_032977.4(CASP10):c.387G>C (p.Glu129Asp)

Gene: CASP10 (caspase 10; plus strand). Cytogenetic location: 2q33.1.
Variant type: single nucleotide variant.
Coding change: c.387G>C on transcript NM_032977.4 (MANE Select); coding-DNA position 387, G replaced by C.
Protein change: p.Glu129Asp; replaces glutamic acid 129 with aspartic acid.
Molecular consequence: missense variant.
Genome position (GRCh38, 1-based): chr2:201,187,745, G>C. VCF-style: chr2-201187745-G-C. GRCh37 (hg19) VCF-style: chr2-202052468-G-C.
Other names: c.387G>C, p.Glu129Asp (NM_001206524.2, NM_001206542.2, NM_001230.5 and 3 more transcripts); short protein forms E129D.
Identifiers: ClinVar variation 2939442 (VCV002939442.3), dbSNP rs762663648, ClinGen allele CA350278206.
Genomic context (GRCh38, chr2:201,187,745, plus strand): 5'-CATTTTGGGTGTGTGTCTTAGAAACCTGCTCTACGAACTGTCAGAAGGCATTGACTCAGA[G>C]AACTTAAAGGACATGATCTTCCTTCTGAAAGACTCGCTTCCCAAAACTGAAATGGTGAGT-3'
Protein context (NP_116759.2, residues 119-139): LYELSEGIDS[Glu129Asp]NLKDMIFLLK